The following is an entry in ClinVar:

ClinVar aggregate classification (germline): Pathogenic/Likely pathogenic. Review status: criteria provided, multiple submitters, no conflicts (2 of 4 stars). 2 submissions from 2 submitters: Pathogenic (1); Likely pathogenic (1). Last evaluated 2025-10-01.

Conditions:
Hereditary cancer-predisposing syndrome. Also called: Neoplastic Syndromes, Hereditary; Tumor predisposition; Hereditary neoplastic syndrome; Hereditary Cancer Syndrome. Identifiers: Orphanet 140162, MedGen C0027672, MeSH D009386, MONDO:0015356.
Gorlin syndrome. Also called: Basal cell nevus syndrome; Nevoid Basal Cell Carcinoma Syndrome. Identifiers: Orphanet 377, MedGen C0004779, MONDO:0007187.

Submissions (2):

Labcorp Genetics (formerly Invitae), Labcorp
Classification: Pathogenic for Gorlin syndrome. Last evaluated: 2025-10-01. Review status: criteria provided, single submitter. Criteria: Invitae Variant Classification Sherloc (09022015). Collection method: clinical testing. Allele origin: germline.
Comment: This sequence change replaces proline, which is neutral and non-polar, with leucine, which is neutral and non-polar, at codon 681 of the PTCH1 protein (p.Pro681Leu). This variant is not present in population databases (gnomAD no frequency). This missense change has been observed in individuals with clinical features of basal cell nevus syndrome (external communications, internal data). It has also been observed to segregate with disease in related individuals. ClinVar contains an entry for this variant (Variation ID: 1911043). Invitae Evidence Modeling of protein sequence and biophysical properties (such as structural, functional, and spatial information, amino acid conservation, physicochemical variation, residue mobility, and thermodynamic stability) has been performed for this missense variant. However, the output from this modeling did not meet the statistical confidence thresholds required to predict the impact of this variant on PTCH1 protein function. Experimental studies have shown that this missense change affects PTCH1 function (PMID: 24368541). For these reasons, this variant has been classified as Pathogenic.

Ambry Genetics
Classification: Likely pathogenic for Hereditary cancer-predisposing syndrome. Last evaluated: 2025-09-23. Review status: criteria provided, single submitter. Criteria: Ambry Variant Classification Scheme 2023. Collection method: clinical testing. Allele origin: germline.
Comment: The p.P681L variant (also known as c.2042C>T), located in coding exon 14 of the PTCH1 gene, results from a C to T substitution at nucleotide position 2042. The proline at codon 681 is replaced by leucine, an amino acid with similar properties. This variant was reported in individuals with features consistent with PTCH1-related nevoid basal cell carcinoma syndrome (Ambry internal data; external communication). This variant is considered to be rare based on population cohorts in the Genome Aggregation Database (gnomAD). This amino acid position is highly conserved in available vertebrate species. In addition, this alteration is predicted to be deleterious by in silico analysis. Based on the majority of available evidence to date, this variant is likely to be pathogenic.

Literature cited by the submitters: PubMed 24368541 (cited by Labcorp Genetics (formerly Invitae), Labcorp).

NM_000264.5(PTCH1):c.2042C>T (p.Pro681Leu)

Genes: PTCH1 (patched 1; minus strand), LOC100507346 (uncharacterized LOC100507346; plus strand). Cytogenetic location: 9q22.32.
Variant type: single nucleotide variant.
Coding change: c.2042C>T on transcript NM_000264.5 (MANE Select); coding-DNA position 2042, C replaced by T.
Protein change: p.Pro681Leu; replaces proline 681 with leucine.
Molecular consequence: missense variant. On other transcripts: non-coding transcript variant (2).
Genome position (GRCh38, 1-based): chr9:95,468,959, G>A on the plus strand (C>T on the coding strand, the complement: PTCH1 is on the minus strand). VCF-style: chr9-95468959-G-A. GRCh37 (hg19) VCF-style: chr9-98231241-G-A.
Other names: c.1844C>T, p.Pro615Leu (NM_001083602.3); c.2039C>T, p.Pro680Leu (NM_001083603.3); c.1589C>T, p.Pro530Leu (NM_001083604.3, NM_001083605.3, NM_001083606.3 and 1 more transcripts); c.1886C>T, p.Pro629Leu (NM_001354918.2); short protein forms P681L, P629L, P530L, P615L, P680L.
Identifiers: ClinVar variation 1911043 (VCV001911043.8), dbSNP rs1588574709, ClinGen allele CA374115777.